The following is an entry in ClinVar:

NM_006096.4(NDRG1):c.332T>G (p.Met111Arg)

Gene: NDRG1 (N-myc downstream regulated 1; minus strand). Cytogenetic location: 8q24.22.
Variant type: single nucleotide variant.
Coding change: c.332T>G on transcript NM_006096.4 (MANE Select); coding-DNA position 332, T replaced by G.
Protein change: p.Met111Arg; replaces methionine 111 with arginine.
Molecular consequence: missense variant.
Genome position (GRCh38, 1-based): chr8:133,259,225, A>C on the plus strand (T>G on the coding strand, the complement: NDRG1 is on the minus strand). VCF-style: chr8-133259225-A-C. GRCh37 (hg19) VCF-style: chr8-134271468-A-C.
Other names: c.332T>G, p.Met111Arg (NM_001135242.2, NM_001374844.1, NM_001374845.1 and 1 more transcripts); c.134T>G, p.Met45Arg (NM_001258432.2, NM_001374847.1); c.89T>G, p.Met30Arg (NM_001258433.2); short protein forms M111R, M30R, M45R.
Identifiers: ClinVar variation 1930157 (VCV001930157.5), dbSNP rs146310821, ClinGen allele CA4886792.

ClinVar aggregate classification (germline): Uncertain significance (1 of 4 stars; one submission).

Conditions:
Charcot-Marie-Tooth disease type 4. Also called: Charcot-Marie-Tooth disease, type IV; Charcot-Marie-Tooth, Type 4. Identifiers: Orphanet 64749, MedGen C4082197, MONDO:0018995.

Allele frequency attached by ClinVar (database versions not stated): TOPMed below 0.00001; ExAC 0.00002; ESP Exome Variant Server 0.00008.

Submission:

Labcorp Genetics (formerly Invitae), Labcorp
Classification: Uncertain significance for Charcot-Marie-Tooth disease type 4. Last evaluated: 2022-07-21. Review status: criteria provided, single submitter. Criteria: Invitae Variant Classification Sherloc (09022015). Collection method: clinical testing. Allele origin: germline.
Comment: This variant has not been reported in the literature in individuals affected with NDRG1-related conditions. In summary, the available evidence is currently insufficient to determine the role of this variant in disease. Therefore, it has been classified as a Variant of Uncertain Significance. Algorithms developed to predict the effect of sequence changes on RNA splicing suggest that this variant may create or strengthen a splice site. Algorithms developed to predict the effect of missense changes on protein structure and function (SIFT, PolyPhen-2, Align-GVGD) all suggest that this variant is likely to be tolerated. This variant is present in population databases (rs146310821, gnomAD 0.007%). This sequence change replaces methionine, which is neutral and non-polar, with arginine, which is basic and polar, at codon 111 of the NDRG1 protein (p.Met111Arg).